The following is an entry in ClinVar:

NM_001261826.3(AP3D1):c.1094A>G (p.Tyr365Cys)

Gene: AP3D1 (adaptor related protein complex 3 subunit delta 1; minus strand). Cytogenetic location: 19p13.3.
Variant type: single nucleotide variant.
Coding change: c.1094A>G on transcript NM_001261826.3 (MANE Select); coding-DNA position 1094, A replaced by G.
Protein change: p.Tyr365Cys; replaces tyrosine 365 with cysteine.
Molecular consequence: missense variant.
Genome position (GRCh38, 1-based): chr19:2,121,741, T>C on the plus strand (A>G on the coding strand, the complement: AP3D1 is on the minus strand). VCF-style: chr19-2121741-T-C. GRCh37 (hg19) VCF-style: chr19-2121740-T-C.
Other names: c.1094A>G, p.Tyr365Cys (NM_001374799.1, NM_003938.8); short protein forms Y365C.
Identifiers: ClinVar variation 1351751 (VCV001351751.8), dbSNP rs754461370, ClinGen allele CA304164028.

ClinVar aggregate classification (germline): Uncertain significance (1 of 4 stars; one submission).

Allele frequency attached by ClinVar (database versions not stated): gnomAD exomes 0.00001.
gnomAD v4.1: 15 of 1,600,968 alleles (0.00094%); highest among the groups gnomAD compares: Non-Finnish European, 0.0013%; no homozygotes.

Submission:

Labcorp Genetics (formerly Invitae), Labcorp
Classification: Uncertain significance. Last evaluated: 2026-01-24. Review status: criteria provided, single submitter. Criteria: Invitae Variant Classification Sherloc (09022015). Collection method: clinical testing. Allele origin: germline.
Comment: This sequence change replaces tyrosine, which is neutral and polar, with cysteine, which is neutral and slightly polar, at codon 365 of the AP3D1 protein (p.Tyr365Cys). This variant is not present in population databases (gnomAD no frequency). This variant has not been reported in the literature in individuals affected with AP3D1-related conditions. ClinVar contains an entry for this variant (Variation ID: 1351751). An algorithm developed to predict the effect of missense changes on protein structure and function (PolyPhen-2) suggests that this variant is likely to be tolerated. In summary, the available evidence is currently insufficient to determine the role of this variant in disease. Therefore, it has been classified as a Variant of Uncertain Significance.